The following is an entry in ClinVar:

NC_000016.9:g.89839142_89867355del

Variant type: Deletion.
Identifiers: ClinVar variation 973999 (VCV000973999.1).

ClinVar aggregate classification (germline): Pathogenic (0 of 4 stars; one submission).

Conditions:
Fanconi anemia complementation group A (FANCA). Also called: Fanconi anemia, group A; FANCA-Related Fanconi Anemia. Identifiers: Orphanet 84, MedGen C3469521, MONDO:0009215, OMIM 227650.

Submission:

Leiden Open Variation Database
Classification: Pathogenic for Fanconi anemia complementation group A. Last evaluated: 2020-02-28. Review status: no assertion criteria provided. Collection method: curation. Allele origin: germline. Affected: yes.
Comment: Curator: Arleen D. Auerbach. Submitter to LOVD: Arleen D. Auerbach.

Literature cited by the submitters: PubMed 25168418.